The following is an entry in ClinVar:

ClinVar aggregate classification (germline): Uncertain significance (1 of 4 stars; one submission).

Conditions:
Developmental and epileptic encephalopathy, 53. Also called: Epileptic encephalopathy, early infantile, 53. Identifiers: MedGen C4479313, MONDO:0033362, OMIM 617389.
Early-onset Parkinson disease 20. Also called: PARKINSON DISEASE 20, AUTOSOMAL RECESSIVE EARLY-ONSET. Identifiers: Orphanet 391411, MedGen C3809824, MONDO:0014233, OMIM 615530.

Allele frequency attached by ClinVar (database versions not stated): gnomAD 0.00001.

Submission:

Labcorp Genetics (formerly Invitae), Labcorp
Classification: Uncertain significance for Developmental and epileptic encephalopathy, 53; Early-onset Parkinson disease 20. Last evaluated: 2021-08-14. Review status: criteria provided, single submitter. Criteria: Invitae Variant Classification Sherloc (09022015). Collection method: clinical testing. Allele origin: germline.
Comment: This sequence change replaces isoleucine with phenylalanine at codon 176 of the SYNJ1 protein (p.Ile176Phe). The isoleucine residue is weakly conserved and there is a small physicochemical difference between isoleucine and phenylalanine. This variant is not present in population databases (ExAC no frequency). This variant has not been reported in the literature in individuals affected with SYNJ1-related conditions. Algorithms developed to predict the effect of missense changes on protein structure and function are either unavailable or do not agree on the potential impact of this missense change (SIFT: "Deleterious"; PolyPhen-2: "Benign"; Align-GVGD: "Class C0"). In summary, the available evidence is currently insufficient to determine the role of this variant in disease. Therefore, it has been classified as a Variant of Uncertain Significance.

NM_203446.3(SYNJ1):c.409A>T (p.Ile137Phe)

Gene: SYNJ1 (synaptojanin 1; minus strand). Cytogenetic location: 21q22.11.
Variant type: single nucleotide variant.
Coding change: c.409A>T on transcript NM_203446.3 (MANE Select); coding-DNA position 409, A replaced by T.
Protein change: p.Ile137Phe; replaces isoleucine 137 with phenylalanine.
Molecular consequence: missense variant.
Genome position (GRCh38, 1-based): chr21:32,699,908, T>A on the plus strand (A>T on the coding strand, the complement: SYNJ1 is on the minus strand). VCF-style: chr21-32699908-T-A. GRCh37 (hg19) VCF-style: chr21-34072218-T-A.
Other names: c.409A>T, p.Ile137Phe (NM_001160302.2, NM_001160306.2); c.526A>T, p.Ile176Phe (NM_003895.4); short protein forms I176F, I137F.
Identifiers: ClinVar variation 1402659 (VCV001402659.6), dbSNP rs780191673, ClinGen allele CA410101321.
Genomic context (GRCh38, chr21:32,699,908, plus strand): 5'-TATTATCAGTTGTCTGTTCTTGCATGCTACGATGCGCATTAAGACTCAAATCTAAACTGA[T>A]GCCAGATGCAGACCATGCAAAATAAAAGTTTCCTGAATTCAAAACTTTCCGCACTTCTGA-3'
Protein context (NP_982271.3, residues 127-147): NFYFAWSASG[Ile137Phe]SLDLSLNAHR